The following is an entry in ClinVar:

NM_001134831.2(AHI1):c.995C>T (p.Pro332Leu)

Gene: AHI1 (Abelson helper integration site 1; minus strand). Cytogenetic location: 6q23.3.
Variant type: single nucleotide variant.
Coding change: c.995C>T on transcript NM_001134831.2 (MANE Select); coding-DNA position 995, C replaced by T.
Protein change: p.Pro332Leu; replaces proline 332 with leucine.
Molecular consequence: missense variant.
Genome position (GRCh38, 1-based): chr6:135,457,650, G>A on the plus strand (C>T on the coding strand, the complement: AHI1 is on the minus strand). VCF-style: chr6-135457650-G-A. GRCh37 (hg19) VCF-style: chr6-135778788-G-A.
Other names: c.995C>T, p.Pro332Leu (NM_001134830.2, NM_001134832.2, NM_001350503.2 and 2 more transcripts); short protein forms P332L.
Identifiers: ClinVar variation 1504291 (VCV001504291.9), dbSNP rs773359044, ClinGen allele CA4012687.
Genomic context (GRCh38, chr6:135,457,650, plus strand): 5'-GTTCGGTGAATGTAAACTCCCAAGACAAGGTCATCATCAAGCAAACATTTGGGATAAACC[G>A]GGCTATCTCGGCTTGTTATTTCATGAACACCATCACCATCAACATCTTCATTATTATCTG-3'
Protein context (NP_001128303.1, residues 322-342): GVHEITSRDS[Pro332Leu]VYPKCLLDDD

ClinVar aggregate classification (germline): Uncertain significance. Review status: criteria provided, multiple submitters, no conflicts (2 of 4 stars). 5 submissions from 5 submitters: Uncertain significance (5). Last evaluated 2026-09-16.

Conditions:
Joubert syndrome. Also called: Familial aplasia of the vermis; JOUBERT-BOLTSHAUSER SYNDROME. Identifiers: Orphanet 475, MedGen C5979921, MONDO:0018772.
AHI1-related disorder. Also called: AHI1-related condition.
Inborn genetic diseases. Identifiers: MedGen C0950123, MeSH D030342.
Joubert syndrome 3 (JBTS3). Also called: AHI1-related Ciliopathy. Identifiers: Orphanet 220493, MedGen C1837713, MONDO:0012078, OMIM 608629.

Allele frequency attached by ClinVar (database versions not stated): gnomAD exomes 0.00002; TOPMed 0.00002; gnomAD 0.00002.
gnomAD v4.1: 38 of 1,613,658 alleles (0.0024%); highest among the groups gnomAD compares: South Asian, 0.013%; no homozygotes.

Submissions (5):

PreventionGenetics, part of Exact Sciences
Classification: Uncertain significance for AHI1-related condition. Last evaluated: 2026-09-16. Review status: criteria provided, single submitter. Criteria: ACMG Guidelines, 2015. Collection method: clinical testing. Allele origin: germline.
Comment: The AHI1 c.995C>T variant is predicted to result in the amino acid substitution p.Pro332Leu. To our knowledge, this variant has not been reported in the literature. This variant is reported in 0.016% of alleles in individuals of South Asian descent in gnomAD. At this time, the clinical significance of this variant is uncertain due to the absence of conclusive functional and genetic evidence.

Ambry Genetics
Classification: Uncertain significance for Inborn genetic diseases. Last evaluated: 2025-11-24. Review status: criteria provided, single submitter. Criteria: Ambry Variant Classification Scheme 2023. Collection method: clinical testing. Allele origin: germline.

Labcorp Genetics (formerly Invitae), Labcorp
Classification: Uncertain significance for Joubert syndrome. Last evaluated: 2025-10-28. Review status: criteria provided, single submitter. Criteria: Invitae Variant Classification Sherloc (09022015). Collection method: clinical testing. Allele origin: germline.
Comment: This sequence change replaces proline, which is neutral and non-polar, with leucine, which is neutral and non-polar, at codon 332 of the AHI1 protein (p.Pro332Leu). This variant is present in population databases (rs773359044, gnomAD 0.02%). This variant has not been reported in the literature in individuals affected with AHI1-related conditions. ClinVar contains an entry for this variant (Variation ID: 1504291). Invitae Evidence Modeling of protein sequence and biophysical properties (such as structural, functional, and spatial information, amino acid conservation, physicochemical variation, residue mobility, and thermodynamic stability) indicates that this missense variant is not expected to disrupt AHI1 protein function with a negative predictive value of 95%. In summary, the available evidence is currently insufficient to determine the role of this variant in disease. Therefore, it has been classified as a Variant of Uncertain Significance.

Fulgent Genetics
Classification: Uncertain significance for Joubert syndrome 3. Last evaluated: 2024-01-18. Review status: criteria provided, single submitter. Criteria: ACMG Guidelines, 2015. Collection method: clinical testing. Allele origin: germline.

Blueprint Genetics
Classification: Uncertain significance. Last evaluated: 2020-10-23. Review status: criteria provided, single submitter. Criteria: ACMG Guidelines, 2015. Collection method: clinical testing. Allele origin: germline.